The following is an entry in ClinVar:

NM_006346.4(PIBF1):c.1267C>G (p.Arg423Gly)

Gene: PIBF1 (progesterone immunomodulatory binding factor 1; plus strand). Cytogenetic location: 13q22.1.
Variant type: single nucleotide variant.
Coding change: c.1267C>G on transcript NM_006346.4 (MANE Select); coding-DNA position 1267, C replaced by G.
Protein change: p.Arg423Gly; replaces arginine 423 with glycine.
Molecular consequence: missense variant. On other transcripts: non-coding transcript variant (2).
Genome position (GRCh38, 1-based): chr13:72,854,100, C>G. VCF-style: chr13-72854100-C-G. GRCh37 (hg19) VCF-style: chr13-73428238-C-G.
Other names: c.1354C>G, p.Arg452Gly (NM_001349655.2); short protein forms R423G, R452G.
Identifiers: ClinVar variation 1683876 (VCV001683876.3), dbSNP rs374837848, ClinGen allele CA388275979.

ClinVar aggregate classification (germline): Uncertain significance. Review status: criteria provided, multiple submitters, no conflicts (2 of 4 stars). 2 submissions from 2 submitters: Uncertain significance (2). Last evaluated 2025-08-06.

Conditions:
Inborn genetic diseases. Identifiers: MedGen C0950123, MeSH D030342.

gnomAD v4.1: 3 of 1,613,046 alleles (0.00019%); highest among the groups gnomAD compares: Non-Finnish European, 0.00025%; no homozygotes.

Submissions (2):

Ambry Genetics
Classification: Uncertain significance for Inborn genetic diseases. Last evaluated: 2025-08-06. Review status: criteria provided, single submitter. Criteria: Ambry Variant Classification Scheme 2023. Collection method: clinical testing. Allele origin: germline.

GeneDx
Classification: Uncertain significance. Last evaluated: 2021-10-28. Review status: criteria provided, single submitter. Criteria: GeneDx Variant Classification Process June 2021. Collection method: clinical testing. Allele origin: germline. Affected: yes.
Comment: Not observed at significant frequency in large population cohorts (gnomAD); In silico analysis supports that this missense variant has a deleterious effect on protein structure/function; Has not been previously published as pathogenic or benign to our knowledge